The following is an entry in ClinVar:

NM_024642.5(GALNT12):c.182G>A (p.Arg61His)

Gene: GALNT12 (polypeptide N-acetylgalactosaminyltransferase 12; plus strand). Cytogenetic location: 9q22.33.
Variant type: single nucleotide variant.
Coding change: c.182G>A on transcript NM_024642.5 (MANE Select); coding-DNA position 182, G replaced by A.
Protein change: p.Arg61His; replaces arginine 61 with histidine.
Molecular consequence: missense variant.
Genome position (GRCh38, 1-based): chr9:98,807,880, G>A. VCF-style: chr9-98807880-G-A. GRCh37 (hg19) VCF-style: chr9-101570162-G-A.
Other names: short protein forms R61H.
Identifiers: ClinVar variation 1780924 (VCV001780924.9), dbSNP rs1835411988, ClinGen allele CA374222470.

ClinVar aggregate classification (germline): Uncertain significance. Review status: criteria provided, multiple submitters, no conflicts (2 of 4 stars). 2 submissions from 2 submitters: Uncertain significance (2). Last evaluated 2025-03-08.

Allele frequency attached by ClinVar (database versions not stated): gnomAD exomes below 0.00001; gnomAD 0.00001; TOPMed 0.00001.
gnomAD v4.1: 4 of 1,061,948 alleles (0.00038%); highest among the groups gnomAD compares: Admixed American, 0.011%; no homozygotes.

Submissions (2):

Ambry Genetics
Classification: Uncertain significance. Last evaluated: 2025-03-08. Review status: criteria provided, single submitter. Criteria: Ambry Variant Classification Scheme 2023. Collection method: clinical testing. Allele origin: germline.
Comment: The p.R61H variant (also known as c.182G>A), located in coding exon 1 of the GALNT12 gene, results from a G to A substitution at nucleotide position 182. The arginine at codon 61 is replaced by histidine, an amino acid with highly similar properties. This amino acid position is not well conserved in available vertebrate species. In addition, this alteration is predicted to be tolerated by in silico analysis. Since supporting evidence is limited at this time, the clinical significance of this alteration remains unclear.

Labcorp Genetics (formerly Invitae), Labcorp
Classification: Uncertain significance. Last evaluated: 2024-10-23. Review status: criteria provided, single submitter. Criteria: Invitae Variant Classification Sherloc (09022015). Collection method: clinical testing. Allele origin: germline.
Comment: This sequence change replaces arginine, which is basic and polar, with histidine, which is basic and polar, at codon 61 of the GALNT12 protein (p.Arg61His). The frequency data for this variant in the population databases is considered unreliable, as metrics indicate insufficient coverage at this position in the gnomAD database. This variant has not been reported in the literature in individuals affected with GALNT12-related conditions. ClinVar contains an entry for this variant (Variation ID: 1780924). An algorithm developed to predict the effect of missense changes on protein structure and function outputs the following: PolyPhen-2: "Not Available". The histidine amino acid residue is found in multiple mammalian species, which suggests that this missense change does not adversely affect protein function. In summary, the available evidence is currently insufficient to determine the role of this variant in disease. Therefore, it has been classified as a Variant of Uncertain Significance.